The following is an entry in ClinVar:

NM_030957.4(ADAMTS10):c.139G>A (p.Val47Met)

Gene: ADAMTS10 (ADAM metallopeptidase with thrombospondin type 1 motif 10; minus strand). Cytogenetic location: 19p13.2.
Variant type: single nucleotide variant.
Coding change: c.139G>A on transcript NM_030957.4 (MANE Select); coding-DNA position 139, G replaced by A.
Protein change: p.Val47Met; replaces valine 47 with methionine.
Molecular consequence: missense variant.
Genome position (GRCh38, 1-based): chr19:8,605,308, C>T on the plus strand (G>A on the coding strand, the complement: ADAMTS10 is on the minus strand). VCF-style: chr19-8605308-C-T. GRCh37 (hg19) VCF-style: chr19-8670193-C-T.
Other names: c.139G>A (NM_030957.2); short protein forms V47M.
Identifiers: ClinVar variation 1479641 (VCV001479641.7), dbSNP rs373819537, ClinGen allele CA9160920.
Genomic context (GRCh38, chr19:8,605,308, plus strand): 5'-CGCGGCGCTGCCTCCGGGGAGGAGGTGGCGAGAAGGCCAGCAGTGCCCCGTTGTGGTCCA[C>T]GCGGGTGGGGAAGGCGATCTCATAGCTCTCCAGACTGGACAGGAACTCATCTGTGGGTGA-3'
Protein context (NP_112219.3, residues 37-57): ESYEIAFPTR[Val47Met]DHNGALLAFS

ClinVar aggregate classification (germline): Uncertain significance. Review status: criteria provided, multiple submitters, no conflicts (2 of 4 stars). 3 submissions from 3 submitters: Uncertain significance (3). Last evaluated 2025-02-05.

Conditions:
Inborn genetic diseases. Identifiers: MedGen C0950123, MeSH D030342.

Allele frequency attached by ClinVar (database versions not stated): gnomAD exomes 0.00001 and 0.00003; TOPMed 0.00003; ExAC 0.00004; gnomAD 0.00006 and 0.00007; ESP Exome Variant Server 0.00008; 1000 Genomes Project 30x 0.00016; 1000 Genomes Project 0.00020.
gnomAD v4.1: 27 of 1,611,358 alleles (0.0017%); highest among the groups gnomAD compares: African/African-American, 0.012%; no homozygotes.

Submissions (3):

Ambry Genetics
Classification: Uncertain significance for Inborn genetic diseases. Last evaluated: 2025-02-05. Review status: criteria provided, single submitter. Criteria: Ambry Variant Classification Scheme 2023. Collection method: clinical testing. Allele origin: germline.

Labcorp Genetics (formerly Invitae), Labcorp
Classification: Uncertain significance. Last evaluated: 2024-11-26. Review status: criteria provided, single submitter. Criteria: Invitae Variant Classification Sherloc (09022015). Collection method: clinical testing. Allele origin: germline.
Comment: This sequence change replaces valine, which is neutral and non-polar, with methionine, which is neutral and non-polar, at codon 47 of the ADAMTS10 protein (p.Val47Met). This variant is present in population databases (rs373819537, gnomAD 0.02%). This variant has not been reported in the literature in individuals affected with ADAMTS10-related conditions. ClinVar contains an entry for this variant (Variation ID: 1479641). An algorithm developed to predict the effect of missense changes on protein structure and function (PolyPhen-2) suggests that this variant is likely to be disruptive. In summary, the available evidence is currently insufficient to determine the role of this variant in disease. Therefore, it has been classified as a Variant of Uncertain Significance.

Blueprint Genetics
Classification: Uncertain significance. Last evaluated: 2024-10-29. Review status: criteria provided, single submitter. Criteria: ACMG Guidelines, 2015. Collection method: clinical testing. Allele origin: germline.